The following is an entry in ClinVar:

ClinVar aggregate classification (germline): Uncertain significance (1 of 4 stars; one submission).

Conditions:
RASopathy. Also called: rasopathies; Noonan spectrum disorder. Identifiers: Orphanet 536391, MedGen C5555857, MONDO:0021060.

gnomAD v4.1: 4 of 1,613,742 alleles (0.00025%); highest among the groups gnomAD compares: Non-Finnish European, 0.00034%; no homozygotes.

Submission:

Labcorp Genetics (formerly Invitae), Labcorp
Classification: Uncertain significance for RASopathy. Last evaluated: 2024-06-04. Review status: criteria provided, single submitter. Criteria: Invitae Variant Classification Sherloc (09022015). Collection method: clinical testing. Allele origin: germline.
Comment: This sequence change replaces lysine, which is basic and polar, with methionine, which is neutral and non-polar, at codon 477 of the CBL protein (p.Lys477Met). This variant is not present in population databases (gnomAD no frequency). This variant has not been reported in the literature in individuals affected with CBL-related conditions. An algorithm developed to predict the effect of missense changes on protein structure and function (PolyPhen-2) suggests that this variant is likely to be tolerated. In summary, the available evidence is currently insufficient to determine the role of this variant in disease. Therefore, it has been classified as a Variant of Uncertain Significance.

NM_005188.4(CBL):c.1430A>T (p.Lys477Met)

Gene: CBL (Cbl proto-oncogene; plus strand). Cytogenetic location: 11q23.3.
Variant type: single nucleotide variant.
Coding change: c.1430A>T on transcript NM_005188.4 (MANE Select); coding-DNA position 1430, A replaced by T.
Protein change: p.Lys477Met; replaces lysine 477 with methionine.
Molecular consequence: missense variant.
Genome position (GRCh38, 1-based): chr11:119,278,712, A>T. VCF-style: chr11-119278712-A-T. GRCh37 (hg19) VCF-style: chr11-119149422-A-T.
Other names: short protein forms K477M.
Identifiers: ClinVar variation 3710565 (VCV003710565.2).